The following is an entry in ClinVar:

ClinVar aggregate classification (germline): Likely benign (0 of 4 stars; one submission).

Conditions:
FLNB-related disorder. Also called: FLNB-related disorders; FLNB-related condition. Identifiers: MedGen CN381095.

Allele frequency attached by ClinVar (database versions not stated): gnomAD exomes below 0.00001; gnomAD 0.00001.
gnomAD v4.1: 3 of 1,613,806 alleles (0.00019%); highest among the groups gnomAD compares: Middle Eastern, 0.033%; no homozygotes.

Submission:

PreventionGenetics, part of Exact Sciences
Classification: Likely benign for FLNB-related condition. Last evaluated: 2019-02-28. Review status: no assertion criteria provided. Collection method: clinical testing. Allele origin: germline.
Comment: This variant is classified as likely benign based on ACMG/AMP sequence variant interpretation guidelines (Richards et al. 2015 PMID: 25741868, with internal and published modifications).

NM_001457.4(FLNB):c.6768G>A (p.Glu2256=)

Gene: FLNB (filamin B; plus strand). Cytogenetic location: 3p14.3.
Variant type: single nucleotide variant.
Coding change: c.6768G>A on transcript NM_001457.4 (MANE Select); coding-DNA position 6768, G replaced by A.
Protein change: p.Glu2256=; no amino-acid change (glutamic acid 2256 retained).
Molecular consequence: synonymous variant.
Genome position (GRCh38, 1-based): chr3:58,154,924, G>A. VCF-style: chr3-58154924-G-A. GRCh37 (hg19) VCF-style: chr3-58140651-G-A.
Other names: c.6861G>A, p.Glu2287= (NM_001164317.2); c.6735G>A, p.Glu2245= (NM_001164318.2); c.6696G>A, p.Glu2232= (NM_001164319.2).
Identifiers: ClinVar variation 3058658 (VCV003058658.2), dbSNP rs994715008, ClinGen allele CA75477118.
Genomic context (GRCh38, chr3:58,154,924, plus strand): 5'-CGAGATTACATTCGATGACCATAAAAATGGGTCGTGCGGTGTATCTTATATTGCCCAAGA[G>A]CCTGGTATGTATTCAGGGTTCACAAGAGGACATTTTCCTTGTTTGAACATGATTAGGTTG-3'
Protein context (NP_001448.2, residues 2246-2266): GSCGVSYIAQ[Glu2256=]PGNYEVSIKF